The following is an entry in ClinVar:

NM_001378452.1(ITPR1):c.3727A>T (p.Ile1243Leu)

Gene: ITPR1 (inositol 1,4,5-trisphosphate receptor type 1; plus strand). Cytogenetic location: 3p26.1.
Variant type: single nucleotide variant.
Coding change: c.3727A>T on transcript NM_001378452.1 (MANE Select); coding-DNA position 3727, A replaced by T.
Protein change: p.Ile1243Leu; replaces isoleucine 1243 with leucine.
Molecular consequence: missense variant.
Genome position (GRCh38, 1-based): chr3:4,688,519, A>T. VCF-style: chr3-4688519-A-T. GRCh37 (hg19) VCF-style: chr3-4730203-A-T.
Other names: c.3700A>T, p.Ile1234Leu (NM_001099952.4); c.3682A>T, p.Ile1228Leu (NM_001168272.2); c.3655A>T, p.Ile1219Leu (NM_002222.7); short protein forms I1234L, I1228L, I1243L, I1219L.
Identifiers: ClinVar variation 1959059 (VCV001959059.5), dbSNP rs756442891, ClinGen allele CA351630128.

ClinVar aggregate classification (germline): Uncertain significance (1 of 4 stars; one submission).

gnomAD v4.1: 1 of 1,614,010 alleles (0.000062%); highest among the groups gnomAD compares: Admixed American, 0.0017%; no homozygotes.

Submission:

Labcorp Genetics (formerly Invitae), Labcorp
Classification: Uncertain significance. Last evaluated: 2022-07-03. Review status: criteria provided, single submitter. Criteria: Invitae Variant Classification Sherloc (09022015). Collection method: clinical testing. Allele origin: germline.
Comment: This variant has not been reported in the literature in individuals affected with ITPR1-related conditions. In summary, the available evidence is currently insufficient to determine the role of this variant in disease. Therefore, it has been classified as a Variant of Uncertain Significance. Algorithms developed to predict the effect of missense changes on protein structure and function (SIFT, PolyPhen-2, Align-GVGD) all suggest that this variant is likely to be tolerated. This variant is not present in population databases (gnomAD no frequency). This sequence change replaces isoleucine, which is neutral and non-polar, with leucine, which is neutral and non-polar, at codon 1219 of the ITPR1 protein (p.Ile1219Leu).